The following is an entry in ClinVar:

ClinVar aggregate classification (germline): Uncertain significance (1 of 4 stars; one submission).

Submission:

GeneDx
Classification: Uncertain significance. Last evaluated: 2025-05-25. Review status: criteria provided, single submitter. Criteria: GeneDx Variant Classification Process June 2021. Collection method: clinical testing. Allele origin: germline. Affected: yes.
Comment: In silico analysis supports that this missense variant has a deleterious effect on protein structure/function; Has not been previously published as pathogenic or benign to our knowledge

NM_001994.3(F13B):c.1772A>T (p.Lys591Met)

Gene: F13B (coagulation factor XIII B chain; minus strand). Cytogenetic location: 1q31.3.
Variant type: single nucleotide variant.
Coding change: c.1772A>T on transcript NM_001994.3 (MANE Select); coding-DNA position 1772, A replaced by T.
Protein change: p.Lys591Met; replaces lysine 591 with methionine.
Molecular consequence: missense variant.
Genome position (GRCh38, 1-based): chr1:197,040,702, T>A on the plus strand (A>T on the coding strand, the complement: F13B is on the minus strand). VCF-style: chr1-197040702-T-A. GRCh37 (hg19) VCF-style: chr1-197009832-T-A.
Other names: short protein forms K591M.
Identifiers: ClinVar variation 4532431 (VCV004532431.1).
Genomic context (GRCh38, chr1:197,040,702, plus strand): 5'-TATTCACCATGCAAAATGTGTGGTCTATTGTCAAAATCCCATTTCAGAAGTAAATTATTC[T>A]TTTCCATTTCAGTAAAAGATAATGTGCATGGCTCTGGGAACAACAATTTAAAAAAAAAGA-3'
Protein context (NP_001985.2, residues 581-601): PCTLSFTEME[Lys591Met]NNLLLKWDFD